The following is an entry in ClinVar:

ClinVar aggregate classification (germline): Conflicting classifications of pathogenicity. Review status: criteria provided, conflicting classifications (1 of 4 stars). 3 submissions from 3 submitters: Uncertain significance (2); Likely benign (1). Last evaluated 2026-01-18.

Conditions:
Arginase deficiency. Also called: Arginase 1 Deficiency; ARGININEMIA; ARG1 DEFICIENCY. Identifiers: Orphanet 90, MedGen C0268548, MONDO:0008814, OMIM 207800.

Allele frequency attached by ClinVar (database versions not stated): gnomAD 0.00004 and 0.00006; ExAC 0.00035; gnomAD exomes 0.00009 and 0.00035; TOPMed 0.00017.
gnomAD v4.1: 136 of 1,614,026 alleles (0.0084%); highest among the groups gnomAD compares: Admixed American, 0.14%; no homozygotes.

Submissions (3):

Labcorp Genetics (formerly Invitae), Labcorp
Classification: Likely benign for Arginase deficiency. Last evaluated: 2026-01-18. Review status: criteria provided, single submitter. Criteria: Invitae Variant Classification Sherloc (09022015). Collection method: clinical testing. Allele origin: germline.

GeneDx
Classification: Uncertain significance. Last evaluated: 2025-12-30. Review status: criteria provided, single submitter. Criteria: GeneDx Variant Classification Process June 2021. Collection method: clinical testing. Allele origin: germline. Affected: yes.
Comment: Has not been previously published as pathogenic or benign to our knowledge; In silico analysis suggests that this missense variant does not alter protein structure/function

Illumina Laboratory Services, Illumina
Classification: Uncertain significance for Arginase deficiency. Last evaluated: 2018-01-12. Review status: criteria provided, single submitter. Criteria: ICSL Variant Classification Criteria 13 December 2019. Collection method: clinical testing. Allele origin: germline.

NM_000045.4(ARG1):c.944T>C (p.Ile315Thr)

Genes: MED23 (mediator complex subunit 23; minus strand), ARG1 (arginase 1; plus strand). Cytogenetic location: 6q23.2.
Variant type: single nucleotide variant.
Coding change: c.944T>C on transcript NM_000045.4 (MANE Select); coding-DNA position 944, T replaced by C.
Protein change: p.Ile315Thr; replaces isoleucine 315 with threonine.
Molecular consequence: missense variant. On other transcripts: non-coding transcript variant (1), intron variant (2).
Genome position (GRCh38, 1-based): chr6:131,583,883, T>C. VCF-style: chr6-131583883-T-C. GRCh37 (hg19) VCF-style: chr6-131905023-T-C.
Other names: c.968T>C, p.Ile323Thr (NM_001244438.2); c.689T>C, p.Ile230Thr (NM_001369020.1); c.4077+3826A>G (NM_001270521.2); c.4095+3826A>G (NM_015979.4); short protein forms I315T, I230T, I323T.
Identifiers: ClinVar variation 355321 (VCV000355321.19), dbSNP rs202219126, ClinGen allele CA3999416.